The following is an entry in ClinVar:

ClinVar aggregate classification (germline): Uncertain significance (1 of 4 stars; one submission).

Submission:

Dasa
Classification: Uncertain significance. Last evaluated: 2024-08-27. Review status: criteria provided, single submitter. Criteria: DASA Assertion Criteria. Collection method: clinical testing. Allele origin: germline.
Comment: NM_004423.4(DVL3):c.600-7C>A is a splice-region variant. This variant is absent from population databases. The currently available literature and clinical evidence are not sufficient to establish a definitive association between this variant and the reported condition. Therefore, this variant is classified as a variant of uncertain significance.

NM_004423.4(DVL3):c.600-7C>A

Gene: DVL3 (dishevelled segment polarity protein 3; plus strand). Cytogenetic location: 3q27.1.
Variant type: single nucleotide variant.
Coding change: c.600-7C>A on transcript NM_004423.4 (MANE Select); 7 bases into the intron before coding-DNA position 600, C replaced by A.
Molecular consequence: intron variant.
Genome position (GRCh38, 1-based): chr3:184,165,106, C>A. VCF-style: chr3-184165106-C-A. GRCh37 (hg19) VCF-style: chr3-183882894-C-A.
Identifiers: ClinVar variation 4885463 (VCV004885463.2).